The following is an entry in ClinVar:

NC_000013.11:g.48303694C>G

Genes: RB1 (RB transcriptional corepressor 1; plus strand), RB1-DT (RB1 divergent transcript; minus strand). Cytogenetic location: 13q14.2.
Variant type: single nucleotide variant.
Molecular consequence: non-coding transcript variant (on NR_046414.2).
Genome position: GRCh38 VCF-style: chr13-48303694-C-G. GRCh37 (hg19) VCF-style: chr13-48877830-C-G.
Identifiers: ClinVar variation 4763345 (VCV004763345.1).

ClinVar aggregate classification (germline): Uncertain significance (1 of 4 stars; one submission).

Conditions:
Retinoblastoma (RB1). Also called: RETINOBLASTOMA, SOMATIC. Identifiers: Orphanet 790, MedGen C0035335, MeSH D012175, MONDO:0008380, OMIM 180200, HP:0009919. Disease mechanism: loss of function. Inheritance: Both sporadic and heritable forms are tested..

Submission:

Labcorp Genetics (formerly Invitae), Labcorp
Classification: Uncertain significance for Retinoblastoma. Last evaluated: 2025-04-30. Review status: criteria provided, single submitter. Criteria: Invitae Variant Classification Sherloc (09022015). Collection method: clinical testing. Allele origin: germline.
Comment: This variant occurs in a non-coding region of the RB1 gene. It does not change the encoded amino acid sequence of the RB1 protein. This variant is not present in population databases (gnomAD no frequency). This variant has not been reported in the literature in individuals affected with RB1-related conditions. Experimental studies and prediction algorithms are not available or were not evaluated, and the functional significance of this variant is currently unknown. In summary, the available evidence is currently insufficient to determine the role of this variant in disease. Therefore, it has been classified as a Variant of Uncertain Significance.